The following is an entry in ClinVar:

NM_004385.5(VCAN):c.4082C>T (p.Thr1361Ile)

Genes: VCAN (versican; plus strand), VCAN-AS1 (VCAN antisense RNA 1; minus strand). Cytogenetic location: 5q14.3.
Variant type: single nucleotide variant.
Coding change: c.4082C>T on transcript NM_004385.5 (MANE Select); coding-DNA position 4082, C replaced by T.
Protein change: p.Thr1361Ile; replaces threonine 1361 with isoleucine.
Molecular consequence: missense variant. On other transcripts: intron variant (2).
Genome position (GRCh38, 1-based): chr5:83,537,085, C>T. VCF-style: chr5-83537085-C-T. GRCh37 (hg19) VCF-style: chr5-82832904-C-T.
Other names: c.1121C>T, p.Thr374Ile (NM_001164097.2); c.4004-8452C>T (NM_001164098.2); c.1043-8452C>T (NM_001126336.3); short protein forms T1361I, T374I.
Identifiers: ClinVar variation 1431462 (VCV001431462.5), dbSNP rs768462682, ClinGen allele CA3333123.

ClinVar aggregate classification (germline): Uncertain significance (1 of 4 stars; one submission).

Allele frequency attached by ClinVar (database versions not stated): gnomAD exomes below 0.00001 and 0.00001; ExAC 0.00001.
gnomAD v4.1: 4 of 1,613,700 alleles (0.00025%); highest among the groups gnomAD compares: Non-Finnish European, 0.00025%; no homozygotes.

Submission:

Labcorp Genetics (formerly Invitae), Labcorp
Classification: Uncertain significance. Last evaluated: 2024-09-16. Review status: criteria provided, single submitter. Criteria: Invitae Variant Classification Sherloc (09022015). Collection method: clinical testing. Allele origin: germline.
Comment: This sequence change replaces threonine, which is neutral and polar, with isoleucine, which is neutral and non-polar, at codon 1361 of the VCAN protein (p.Thr1361Ile). This variant is present in population databases (rs768462682, gnomAD 0.0009%). This variant has not been reported in the literature in individuals affected with VCAN-related conditions. ClinVar contains an entry for this variant (Variation ID: 1431462). An algorithm developed to predict the effect of missense changes on protein structure and function (PolyPhen-2) suggests that this variant is likely to be tolerated. In summary, the available evidence is currently insufficient to determine the role of this variant in disease. Therefore, it has been classified as a Variant of Uncertain Significance.